The following is an entry in ClinVar:

ClinVar aggregate classification (germline): Likely pathogenic (1 of 4 stars; one submission).

Conditions:
Familial cancer of breast. Also called: Hereditary breast cancer; hereditary breast carcinoma; BREAST CANCER, FAMILIAL. Identifiers: Orphanet 227535, MedGen C0346153, MONDO:0016419, OMIM 114480. Disease mechanism: loss of function.
Fanconi anemia complementation group J. Also called: BRIP1-Related Fanconi Anemia. Identifiers: Orphanet 84, MedGen C1836860, MONDO:0012187, OMIM 609054.

Submission:

Labcorp Genetics (formerly Invitae), Labcorp
Classification: Likely pathogenic for Familial cancer of breast; Fanconi anemia complementation group J. Last evaluated: 2025-04-22. Review status: criteria provided, single submitter. Criteria: Invitae Variant Classification Sherloc (09022015). Collection method: clinical testing. Allele origin: germline.
Comment: This sequence change affects a donor splice site in intron 15 of the BRIP1 gene. It is expected to disrupt RNA splicing. Variants that disrupt the donor or acceptor splice site typically lead to a loss of protein function (PMID: 16199547), and loss-of-function variants in BRIP1 are known to be pathogenic (PMID: 16116423, 17033622, 21964575). This variant is not present in population databases (gnomAD no frequency). This variant has not been reported in the literature in individuals affected with BRIP1-related conditions. ClinVar contains an entry for this variant (Variation ID: 952607). Algorithms developed to predict the effect of sequence changes on RNA splicing suggest that this variant may disrupt the consensus splice site. In summary, the currently available evidence indicates that the variant is pathogenic, but additional data are needed to prove that conclusively. Therefore, this variant has been classified as Likely Pathogenic.

Literature cited by the submitters: PubMed 16199547; PubMed 16116423; PubMed 17033622; PubMed 21964575.

NM_032043.3(BRIP1):c.2257+1G>A

Gene: BRIP1 (BRCA1 interacting DNA helicase 1; minus strand). Cytogenetic location: 17q23.2.
Variant type: single nucleotide variant.
Coding change: c.2257+1G>A on transcript NM_032043.3 (MANE Select); the canonical splice donor site of the intron after coding-DNA position 2257, G replaced by A.
Molecular consequence: splice donor variant.
Genome position (GRCh38, 1-based): chr17:61,744,431, C>T on the plus strand (G>A on the coding strand, the complement: BRIP1 is on the minus strand). VCF-style: chr17-61744431-C-T. GRCh37 (hg19) VCF-style: chr17-59821792-C-T.
Identifiers: ClinVar variation 952607 (VCV000952607.9), dbSNP rs2077029293, ClinGen allele CA400482802.